The following is an entry in ClinVar:

NM_020964.3(EPG5):c.6622-23_6622-12dup

Gene: EPG5 (ectopic P-granules 5 autophagy tethering factor; minus strand). Cytogenetic location: 18q12.3.
Variant type: Duplication.
Coding change: c.6622-23_6622-12dup on transcript NM_020964.3 (MANE Select); 23 bases into the intron before coding-DNA position 6622 through 12 bases into the intron before coding-DNA position 6622, 12 bases duplicated (TTTTTTTTTTTT).
Molecular consequence: intron variant.
Genome position (GRCh38, 1-based): chr18:45,865,766-45,865,777, AAAAAAAAAAAA duplicated on the plus strand (TTTTTTTTTTTT on the coding strand, the reverse complement: EPG5 is on the minus strand); duplicating any 12 consecutive bases within chr18:45,865,766-45,865,782 gives the same sequence; the c. name uses the placement nearest the transcript's 3' end. VCF-style (leftmost placement, unchanged base first): chr18-45865765-C-CAAAAAAAAAAAA. GRCh37 (hg19) VCF-style: chr18-43445730-C-CAAAAAAAAAAAA.
Identifiers: ClinVar variation 1127228 (VCV001127228.11), dbSNP rs11333207, ClinGen allele CA629478930.

ClinVar aggregate classification (germline): Likely benign. Review status: criteria provided, multiple submitters, no conflicts (2 of 4 stars). 2 submissions from 2 submitters: Likely benign (2). Last evaluated 2026-01-24.

Conditions:
Vici syndrome (VICIS). Identifiers: Orphanet 1493, MedGen C1855772, MONDO:0009452, OMIM 242840.

Submissions (2):

Labcorp Genetics (formerly Invitae), Labcorp
Classification: Likely benign for Vici syndrome. Last evaluated: 2026-01-24. Review status: criteria provided, single submitter. Criteria: Invitae Variant Classification Sherloc (09022015). Collection method: clinical testing. Allele origin: germline.

GeneDx
Classification: Likely benign. Last evaluated: 2021-10-19. Review status: criteria provided, single submitter. Criteria: GeneDx Variant Classification Process June 2021. Collection method: clinical testing. Allele origin: germline. Affected: yes.
Comment: See Variant Classification Assertion Criteria.